The following is an entry in ClinVar:

NM_000081.4(LYST):c.3091A>G (p.Lys1031Glu)

Gene: LYST (lysosomal trafficking regulator; minus strand). Cytogenetic location: 1q42.3.
Variant type: single nucleotide variant.
Coding change: c.3091A>G on transcript NM_000081.4 (MANE Select); coding-DNA position 3091, A replaced by G.
Protein change: p.Lys1031Glu; replaces lysine 1031 with glutamic acid.
Molecular consequence: missense variant.
Genome position (GRCh38, 1-based): chr1:235,806,045, T>C on the plus strand (A>G on the coding strand, the complement: LYST is on the minus strand). VCF-style: chr1-235806045-T-C. GRCh37 (hg19) VCF-style: chr1-235969345-T-C.
Other names: c.3091A>G, p.Lys1031Glu (NM_001301365.1); short protein forms K1031E.
Identifiers: ClinVar variation 657030 (VCV000657030.8), dbSNP rs1672797398, ClinGen allele CA344953524.

ClinVar aggregate classification (germline): Uncertain significance (1 of 4 stars; one submission).

Conditions:
Chédiak-Higashi syndrome (CHS). Also called: Chediak-Higashi Syndrome. Identifiers: Orphanet 167, MedGen C0007965, MONDO:0008963, OMIM 214500.

gnomAD v4.1: 1 of 1,613,918 alleles (0.000062%); no homozygotes.

Submission:

Labcorp Genetics (formerly Invitae), Labcorp
Classification: Uncertain significance for Chédiak-Higashi syndrome. Last evaluated: 2021-08-24. Review status: criteria provided, single submitter. Criteria: Invitae Variant Classification Sherloc (09022015). Collection method: clinical testing. Allele origin: germline.
Comment: This sequence change replaces lysine with glutamic acid at codon 1031 of the LYST protein (p.Lys1031Glu). The lysine residue is weakly conserved and there is a small physicochemical difference between lysine and glutamic acid. This variant is not present in population databases (ExAC no frequency). This variant has not been reported in the literature in individuals affected with LYST-related conditions. Algorithms developed to predict the effect of missense changes on protein structure and function output the following: SIFT: "Tolerated"; PolyPhen-2: "Benign"; Align-GVGD: "Class C0". The glutamic acid amino acid residue is found in multiple mammalian species, which suggests that this missense change does not adversely affect protein function. In summary, the available evidence is currently insufficient to determine the role of this variant in disease. Therefore, it has been classified as a Variant of Uncertain Significance.